The following is an entry in ClinVar:

NM_000540.3(RYR1):c.12145G>C (p.Glu4049Gln)

Gene: RYR1 (ryanodine receptor 1; plus strand). Cytogenetic location: 19q13.2.
Variant type: single nucleotide variant.
Coding change: c.12145G>C on transcript NM_000540.3 (MANE Select); coding-DNA position 12145, G replaced by C.
Protein change: p.Glu4049Gln; replaces glutamic acid 4049 with glutamine.
Molecular consequence: missense variant.
Genome position (GRCh38, 1-based): chr19:38,548,283, G>C. VCF-style: chr19-38548283-G-C. GRCh37 (hg19) VCF-style: chr19-39038923-G-C.
Other names: c.12130G>C, p.Glu4044Gln (NM_001042723.2); short protein forms E4049Q, E4044Q.
Identifiers: ClinVar variation 2794367 (VCV002794367.3), dbSNP rs2514600162, ClinGen allele CA080605.

ClinVar aggregate classification (germline): Likely pathogenic (1 of 4 stars; one submission).

Conditions:
RYR1-related disorder. Also called: RYR1-related condition; RYR1-related disorders. Identifiers: MedGen CN239331.

Submission:

Labcorp Genetics (formerly Invitae), Labcorp
Classification: Likely pathogenic for RYR1-related disorder. Last evaluated: 2022-11-29. Review status: criteria provided, single submitter. Criteria: Invitae Variant Classification Sherloc (09022015). Collection method: clinical testing. Allele origin: germline.
Comment: This variant disrupts the p.Glu4049 amino acid residue in RYR1. Other variant(s) that disrupt this residue have been determined to be pathogenic (Invitae). This suggests that this residue is clinically significant, and that variants that disrupt this residue are likely to be disease-causing. In summary, the currently available evidence indicates that the variant is pathogenic, but additional data are needed to prove that conclusively. Therefore, this variant has been classified as Likely Pathogenic. Advanced modeling of protein sequence and biophysical properties (such as structural, functional, and spatial information, amino acid conservation, physicochemical variation, residue mobility, and thermodynamic stability) performed at Invitae indicates that this missense variant is expected to disrupt RYR1 protein function. This variant has not been reported in the literature in individuals affected with RYR1-related conditions. This variant is not present in population databases (gnomAD no frequency). This sequence change replaces glutamic acid, which is acidic and polar, with glutamine, which is neutral and polar, at codon 4049 of the RYR1 protein (p.Glu4049Gln).